The following is an entry in ClinVar:

NM_002907.4(RECQL):c.700+6T>A

Gene: RECQL (RecQ like helicase; minus strand). Cytogenetic location: 12p12.1.
Variant type: single nucleotide variant.
Coding change: c.700+6T>A on transcript NM_002907.4 (MANE Select); 6 bases into the intron after coding-DNA position 700, T replaced by A.
Molecular consequence: intron variant.
Genome position (GRCh38, 1-based): chr12:21,483,370, A>T on the plus strand (T>A on the coding strand, the complement: RECQL is on the minus strand). VCF-style: chr12-21483370-A-T. GRCh37 (hg19) VCF-style: chr12-21636304-A-T.
Other names: c.700+6T>A (NM_032941.3).
Identifiers: ClinVar variation 1475969 (VCV001475969.6), dbSNP rs2137373313, ClinGen allele CA2573148453.

ClinVar aggregate classification (germline): Uncertain significance (1 of 4 stars; one submission).

Submission:

Labcorp Genetics (formerly Invitae), Labcorp
Classification: Uncertain significance. Last evaluated: 2021-09-10. Review status: criteria provided, single submitter. Criteria: Invitae Variant Classification Sherloc (09022015). Collection method: clinical testing. Allele origin: germline.
Comment: In summary, the available evidence is currently insufficient to determine the role of this variant in disease. Therefore, it has been classified as a Variant of Uncertain Significance. This sequence change falls in intron 6 of the RECQL gene. It does not directly change the encoded amino acid sequence of the RECQL protein. It affects a nucleotide within the consensus splice site of the intron. This variant is not present in population databases (ExAC no frequency). This variant has not been reported in the literature in individuals affected with RECQL-related conditions. Variants that disrupt the consensus splice site are a relatively common cause of aberrant splicing (PMID: 17576681, 9536098). Algorithms developed to predict the effect of sequence changes on RNA splicing suggest that this variant may disrupt the consensus splice site.

Literature cited by the submitters: PubMed 17576681; PubMed 9536098.